The following is an entry in ClinVar:

ClinVar aggregate classification (germline): Benign/Likely benign. Review status: criteria provided, multiple submitters, no conflicts (2 of 4 stars). 2 submissions from 2 submitters: Benign (1); Likely benign (1). Last evaluated 2026-01-19.

Allele frequency attached by ClinVar (database versions not stated): ExAC 0.00168; gnomAD 0.00176; ESP Exome Variant Server 0.00177; gnomAD exomes 0.00267; 1000 Genomes Project 0.00060; 1000 Genomes Project 30x 0.00062; TOPMed 0.00155.
gnomAD v4.1: 4,157 of 1,614,216 alleles (0.26%); highest among the groups gnomAD compares: Non-Finnish European, 0.31%; 9 homozygotes.

Submissions (2):

Labcorp Genetics (formerly Invitae), Labcorp
Classification: Likely benign. Last evaluated: 2026-01-19. Review status: criteria provided, single submitter. Criteria: Invitae Variant Classification Sherloc (09022015). Collection method: clinical testing. Allele origin: germline.

CeGaT Center for Human Genetics Tuebingen
Classification: Benign. Last evaluated: 2023-04-01. Review status: criteria provided, single submitter. Criteria: CeGaT Center For Human Genetics Tuebingen Variant Classification Criteria Version 2. Collection method: clinical testing. Allele origin: germline. Affected: yes. Observed: 1 variant allele.
Comment: KLHL9: BS1, BS2

NM_018847.4(KLHL9):c.1140G>A (p.Met380Ile)

Gene: KLHL9 (kelch like family member 9; minus strand). Cytogenetic location: 9p21.3.
Variant type: single nucleotide variant.
Coding change: c.1140G>A on transcript NM_018847.4 (MANE Select); coding-DNA position 1140, G replaced by A.
Protein change: p.Met380Ile; replaces methionine 380 with isoleucine.
Molecular consequence: missense variant.
Genome position (GRCh38, 1-based): chr9:21,333,720, C>T on the plus strand (G>A on the coding strand, the complement: KLHL9 is on the minus strand). VCF-style: chr9-21333720-C-T. GRCh37 (hg19) VCF-style: chr9-21333719-C-T.
Other names: short protein forms M380I.
Identifiers: ClinVar variation 2037463 (VCV002037463.31), dbSNP rs142392704, ClinGen allele CA5010544.